The following is an entry in ClinVar:

NM_001101.5(ACTB):c.208C>A (p.Pro70Thr)

Gene: ACTB (actin beta; minus strand). Cytogenetic location: 7p22.1.
Variant type: single nucleotide variant.
Coding change: c.208C>A on transcript NM_001101.5 (MANE Select); coding-DNA position 208, C replaced by A.
Protein change: p.Pro70Thr; replaces proline 70 with threonine.
Molecular consequence: missense variant.
Genome position (GRCh38, 1-based): chr7:5,529,316, G>T on the plus strand (C>A on the coding strand, the complement: ACTB is on the minus strand). VCF-style: chr7-5529316-G-T. GRCh37 (hg19) VCF-style: chr7-5568947-G-T.
Other names: short protein forms P70T.
Identifiers: ClinVar variation 4530851 (VCV004530851.1).

ClinVar aggregate classification (germline): Pathogenic (1 of 4 stars; one submission).

Submission:

GeneDx
Classification: Pathogenic. Last evaluated: 2025-05-07. Review status: criteria provided, single submitter. Criteria: GeneDx Variant Classification Process June 2021. Collection method: clinical testing. Allele origin: germline. Affected: yes.
Comment: Missense variants in this gene are a common cause of disease and they are underrepresented in the general population; Not observed at significant frequency in large population cohorts (gnomAD); In silico analysis supports that this missense variant has a deleterious effect on protein structure/function; Has not been previously published as pathogenic or benign to our knowledge